The following is an entry in ClinVar:

ClinVar aggregate classification (germline): Pathogenic (1 of 4 stars; one submission).

Conditions:
GNPTG-mucolipidosis. Also called: ML III GAMMA; ML IIIC; MUCOLIPIDOSIS III, COMPLEMENTATION GROUP C; MUCOLIPIDOSIS III, IRANIAN VARIANT FORM; MUCOLIPIDOSIS III, VARIANT FORM; Mucolipidosis type III gamma. Identifiers: Orphanet 423470, Orphanet 577, MedGen C1854896, MONDO:0009652, OMIM 252605.

Submission:

Myriad Genetics, Inc.
Classification: Pathogenic for GNPTG-mucolipidosis. Last evaluated: 2025-08-11. Review status: criteria provided, single submitter. Criteria: Myriad Autosomal Dominant, Autosomal Recessive and X-Linked Classification Criteria (2023). Collection method: clinical testing. Allele origin: unknown.
Comment: NM_032520.4(GNPTG):c.535dupA(T179Nfs*20) is expected to be pathogenic in the context of mucolipidosis III gamma. This variant is predicted to lead to an abnormal or absent protein product due to the creation of a premature termination codon in GNPTG, a gene where loss-of-function variants are known to be pathogenic. Please note: this variant was assessed in the context of healthy population screening.

NM_032520.5(GNPTG):c.535dup (p.Thr179fs)

Gene: GNPTG (N-acetylglucosamine-1-phosphate transferase subunit gamma; plus strand). Cytogenetic location: 16p13.3.
Variant type: Duplication.
Coding change: c.535dup on transcript NM_032520.5 (MANE Select); coding-DNA position 535, one base duplicated (A; older notation c.535dupA).
Protein change: p.Thr179fs; shifts the reading frame from threonine 179.
Molecular consequence: frameshift variant.
Genome position (GRCh38, 1-based): chr16:1,362,460, A duplicated; the last of 2 consecutive A bases (chr16:1,362,459-1,362,460); duplicating either gives the same sequence. VCF-style (leftmost placement, unchanged base first): chr16-1362458-C-CA. GRCh37 (hg19) VCF-style: chr16-1412459-C-CA.
Other names: short protein forms T179fs.
Identifiers: ClinVar variation 5014854 (VCV005014854.1).